The following is an entry in ClinVar:

ClinVar aggregate classification (germline): Likely benign (0 of 4 stars; one submission).

Conditions:
FUS-related disorder. Also called: FUS-related condition.

gnomAD v4.1: 6 of 1,607,442 alleles (0.00037%); highest among the groups gnomAD compares: South Asian, 0.0066%; no homozygotes.

Submission:

PreventionGenetics, part of Exact Sciences
Classification: Likely benign for FUS-related condition. Last evaluated: 2022-07-19. Review status: no assertion criteria provided. Collection method: clinical testing. Allele origin: germline.
Comment: This variant is classified as likely benign based on ACMG/AMP sequence variant interpretation guidelines (Richards et al. 2015 PMID: 25741868, with internal and published modifications).

NM_004960.4(FUS):c.800-7A>G

Gene: FUS (FUS RNA binding protein; plus strand). Cytogenetic location: 16p11.2.
Variant type: single nucleotide variant.
Coding change: c.800-7A>G on transcript NM_004960.4 (MANE Select); 7 bases into the intron before coding-DNA position 800, A replaced by G.
Molecular consequence: intron variant.
Genome position (GRCh38, 1-based): chr16:31,188,318, A>G. VCF-style: chr16-31188318-A-G. GRCh37 (hg19) VCF-style: chr16-31199639-A-G.
Other names: c.788-7A>G (NM_001170937.1); c.797-7A>G (NM_001170634.1).
Identifiers: ClinVar variation 3030017 (VCV003030017.2), dbSNP rs2079301664, ClinGen allele CA976358937.